The following is an entry in ClinVar:

NM_000257.4(MYH7):c.1495GAG[1] (p.Glu500del)

Gene: MYH7 (myosin heavy chain 7; minus strand). Cytogenetic location: 14q11.2.
Variant type: Microsatellite.
Coding change: c.1495GAG[1] on transcript NM_000257.4 (MANE Select); one copy of the 3-base unit GAG starting at c.1495; the reference has two copies in a row; one copy, 3 bases deleted.
Protein change: p.Glu500del; deletes glutamic acid 500.
Molecular consequence: inframe deletion.
Genome position (GRCh38, 1-based): chr14:23,428,578-23,428,580, CTC deleted on the plus strand (GAG on the coding strand, the reverse complement: MYH7 is on the minus strand); deleting any 3 consecutive bases within chr14:23,428,578-23,428,585 gives the same sequence; the position shown is the placement nearest the transcript's 3' end. VCF-style (leftmost placement, unchanged base first): chr14-23428577-ACTC-A. GRCh37 (hg19) VCF-style: chr14-23897786-ACTC-A.
Other names: short protein forms E500del.
Identifiers: ClinVar variation 525034 (VCV000525034.10), dbSNP rs1555338254, ClinGen allele CA658798171.

ClinVar aggregate classification (germline): Uncertain significance. Review status: criteria provided, single submitter (1 of 4 stars). 2 submissions from 2 submitters: Uncertain significance (1). 1 of the submissions does not count toward it. Last evaluated 2022-06-03.

Conditions:
Myosin storage myopathy (CMYO7A). Also called: SCAPULOPERONEAL MUSCULAR DYSTROPHY; SCAPULOPERONEAL SYNDROME, MYOPATHIC TYPE; MYH7-related late-onset scapuloperoneal muscular dystrophy; Congenital myopathy 7A, myosin storage, autosomal dominant; MYOPATHY, HYALINE BODY, AUTOSOMAL DOMINANT; Scapuloperoneal myopathy, MYH7-related. Identifiers: Orphanet 437572, Orphanet 636965, MedGen C1842160, MONDO:0008409, OMIM 608358.
Hypertrophic cardiomyopathy. Also called: HYPERTROPHIC MYOCARDIOPATHY. Identifiers: Orphanet 217569, MedGen C0007194, MeSH D002312, MONDO:0005045, HP:0001639.

Submissions (2):

Labcorp Genetics (formerly Invitae), Labcorp
Classification: Uncertain significance for Hypertrophic cardiomyopathy. Last evaluated: 2022-06-03. Review status: criteria provided, single submitter. Criteria: Invitae Variant Classification Sherloc (09022015). Collection method: clinical testing. Allele origin: germline.
Comment: In summary, the available evidence is currently insufficient to determine the role of this variant in disease. Therefore, it has been classified as a Variant of Uncertain Significance. Experimental studies and prediction algorithms are not available or were not evaluated, and the functional significance of this variant is currently unknown. ClinVar contains an entry for this variant (Variation ID: 525034). This variant has been observed in individual(s) with MYH7-related conditions (PMID: 31305444). In at least one individual the variant was observed to be de novo. This variant is not present in population databases (gnomAD no frequency). This variant, c.1498_1500del, results in the deletion of 1 amino acid(s) of the MYH7 protein (p.Glu500del), but otherwise preserves the integrity of the reading frame.

Department of Rehabilitation Medicine, Incheon St. Mary’s Hospital, College of Medicine, The Catholic University of Korea
Classification: Likely pathogenic for Myosin storage myopathy. Last evaluated: 2019-02-08. Review status: no assertion criteria provided. Collection method: research. Allele origin: de novo. Inheritance: Autosomal dominant inheritance. Affected: yes. Observed: 1 heterozygote. Not counted in ClinVar's aggregate classification.

Literature cited by the submitters: PubMed 31305444 (cited by Labcorp Genetics (formerly Invitae), Labcorp).